The following is an entry in ClinVar:

ClinVar aggregate classification (germline): Uncertain significance (1 of 4 stars; one submission).

Submission:

Labcorp Genetics (formerly Invitae), Labcorp
Classification: Uncertain significance. Last evaluated: 2024-08-24. Review status: criteria provided, single submitter. Criteria: Invitae Variant Classification Sherloc (09022015). Collection method: clinical testing. Allele origin: germline.
Comment: This sequence change replaces arginine, which is basic and polar, with proline, which is neutral and non-polar, at codon 130 of the USB1 protein (p.Arg130Pro). This variant is not present in population databases (gnomAD no frequency). This variant has not been reported in the literature in individuals affected with USB1-related conditions. Invitae Evidence Modeling of protein sequence and biophysical properties (such as structural, functional, and spatial information, amino acid conservation, physicochemical variation, residue mobility, and thermodynamic stability) indicates that this missense variant is not expected to disrupt USB1 protein function with a negative predictive value of 80%. In summary, the available evidence is currently insufficient to determine the role of this variant in disease. Therefore, it has been classified as a Variant of Uncertain Significance.

NM_024598.4(USB1):c.389G>C (p.Arg130Pro)

Gene: USB1 (U6 snRNA biogenesis phosphodiesterase 1; plus strand). Cytogenetic location: 16q21.
Variant type: single nucleotide variant.
Coding change: c.389G>C on transcript NM_024598.4 (MANE Select); coding-DNA position 389, G replaced by C.
Protein change: p.Arg130Pro; replaces arginine 130 with proline.
Molecular consequence: missense variant.
Genome position (GRCh38, 1-based): chr16:58,010,052, G>C. VCF-style: chr16-58010052-G-C. GRCh37 (hg19) VCF-style: chr16-58043956-G-C.
Other names: c.389G>C, p.Arg130Pro (NM_001204911.2, NM_001330569.2, NM_001195302.2); c.236G>C, p.Arg79Pro (NM_001330568.2); short protein forms R130P, R79P.
Identifiers: ClinVar variation 3715137 (VCV003715137.2).
Genomic context (GRCh38, chr16:58,010,052, plus strand): 5'-TCCCCCGGCTGGTAAGGATGAAGGTGTTCCACCTCAGCCTGTCCCAGAGTGTGGTTCTGC[G>C]CCACCACTGGATCCTCCCCTTCGTGCAGGCTCTGAAAGCCCGTATGACCTCCTTCCACAG-3'
Protein context (NP_078874.2, residues 120-140): HLSLSQSVVL[Arg130Pro]HHWILPFVQA